The following is an entry in ClinVar:

ClinVar aggregate classification (germline): Uncertain significance (1 of 4 stars; one submission).

Conditions:
KDM5A-related disorder. Also called: KDM5A-related condition.

Submission:

PreventionGenetics, part of Exact Sciences
Classification: Uncertain significance for KDM5A-related condition. Last evaluated: 2022-09-25. Review status: criteria provided, single submitter. Criteria: ACMG Guidelines, 2015. Collection method: clinical testing. Allele origin: germline.
Comment: The KDM5A c.2234G>C variant is predicted to result in the amino acid substitution p.Arg745Pro. To our knowledge, this variant has not been reported in the literature or in a large population database, indicating this variant is rare. At this time, the clinical significance of this variant is uncertain due to the absence of conclusive functional and genetic evidence.

NM_001042603.3(KDM5A):c.2234G>C (p.Arg745Pro)

Gene: KDM5A (lysine demethylase 5A; minus strand). Cytogenetic location: 12p13.33.
Variant type: single nucleotide variant.
Coding change: c.2234G>C on transcript NM_001042603.3 (MANE Select); coding-DNA position 2234, G replaced by C.
Protein change: p.Arg745Pro; replaces arginine 745 with proline.
Molecular consequence: missense variant.
Genome position (GRCh38, 1-based): chr12:323,123, C>G on the plus strand (G>C on the coding strand, the complement: KDM5A is on the minus strand). VCF-style: chr12-323123-C-G. GRCh37 (hg19) VCF-style: chr12-432289-C-G.
Other names: short protein forms R745P.
Identifiers: ClinVar variation 2637272 (VCV002637272.1), dbSNP rs376128815, ClinGen allele CA383638810.